The following is an entry in ClinVar:

ClinVar aggregate classification (germline): Uncertain significance. Review status: criteria provided, multiple submitters, no conflicts (2 of 4 stars). 2 submissions from 2 submitters: Uncertain significance (2). Last evaluated 2025-11-26.

Conditions:
Inborn genetic diseases. Identifiers: MedGen C0950123, MeSH D030342.

Allele frequency attached by ClinVar (database versions not stated): gnomAD exomes below 0.00001; ExAC 0.00001; TOPMed 0.00001.
gnomAD v4.1: 21 of 1,613,726 alleles (0.0013%); highest among the groups gnomAD compares: African/African-American, 0.004%; no homozygotes.

Submissions (2):

Ambry Genetics
Classification: Uncertain significance for Inborn genetic diseases. Last evaluated: 2025-11-26. Review status: criteria provided, single submitter. Criteria: Ambry Variant Classification Scheme 2023. Collection method: clinical testing. Allele origin: germline.

Labcorp Genetics (formerly Invitae), Labcorp
Classification: Uncertain significance. Last evaluated: 2024-10-29. Review status: criteria provided, single submitter. Criteria: Invitae Variant Classification Sherloc (09022015). Collection method: clinical testing. Allele origin: germline.
Comment: This sequence change replaces arginine, which is basic and polar, with cysteine, which is neutral and slightly polar, at codon 3177 of the SPEG protein (p.Arg3177Cys). This variant is present in population databases (rs756642514, gnomAD 0.003%). This variant has not been reported in the literature in individuals affected with SPEG-related conditions. ClinVar contains an entry for this variant (Variation ID: 1380510). An algorithm developed to predict the effect of missense changes on protein structure and function (PolyPhen-2) suggests that this variant is likely to be tolerated. In summary, the available evidence is currently insufficient to determine the role of this variant in disease. Therefore, it has been classified as a Variant of Uncertain Significance.

NM_005876.5(SPEG):c.9529C>T (p.Arg3177Cys)

Genes: ASIC4-AS1 (ASIC4 antisense RNA 1; minus strand), SPEG (striated muscle enriched protein kinase; plus strand). Cytogenetic location: 2q35.
Variant type: single nucleotide variant.
Coding change: c.9529C>T on transcript NM_005876.5 (MANE Select); coding-DNA position 9529, C replaced by T.
Protein change: p.Arg3177Cys; replaces arginine 3177 with cysteine.
Molecular consequence: missense variant.
Genome position (GRCh38, 1-based): chr2:219,492,178, C>T. VCF-style: chr2-219492178-C-T. GRCh37 (hg19) VCF-style: chr2-220356900-C-T.
Other names: c.9529C>T (NM_005876.4); short protein forms R3177C.
Identifiers: ClinVar variation 1380510 (VCV001380510.8), dbSNP rs756642514, ClinGen allele CA2127798.
Genomic context (GRCh38, chr2:219,492,178, plus strand): 5'-GGACGCTCCCCGTTCTATGAGCCAGACCCCCAGGAAACGGAGGCTCGGATTGTGGGGGGC[C>T]GCTTTGATGCCTTCCAGCTGTACCCCAATACATCCCAGAGCGCCACCCTCTTCTTGCGAA-3'
Protein context (NP_005867.3, residues 3167-3187): QETEARIVGG[Arg3177Cys]FDAFQLYPNT